The following is an entry in ClinVar:

NM_004260.4(RECQL4):c.646G>A (p.Glu216Lys)

Gene: RECQL4 (RecQ like helicase 4; minus strand). Cytogenetic location: 8q24.3.
Variant type: single nucleotide variant.
Coding change: c.646G>A on transcript NM_004260.4 (MANE Select); coding-DNA position 646, G replaced by A.
Protein change: p.Glu216Lys; replaces glutamic acid 216 with lysine.
Molecular consequence: missense variant.
Genome position (GRCh38, 1-based): chr8:144,516,473, C>T on the plus strand (G>A on the coding strand, the complement: RECQL4 is on the minus strand). VCF-style: chr8-144516473-C-T. GRCh37 (hg19) VCF-style: chr8-145741857-C-T.
Other names: short protein forms E216K.
Identifiers: ClinVar variation 656418 (VCV000656418.11), dbSNP rs201301365, ClinGen allele CA4949224.
Genomic context (GRCh38, chr8:144,516,473, plus strand): 5'-CCTGGGAGCCAGCACCAGGACCAAGGACAGCCGACTCACCAGGGATCAGAAGTTGTGATT[C>T]CTCTGAGCCTAGATCAGGCCTGCAGGCTTTGGGGGCCCCCAGAAAATCTGGGACCTCACT-3'
Protein context (NP_004251.4, residues 206-226): KACRPDLGSE[Glu216Lys]SQLLIPGESA

ClinVar aggregate classification (germline): Conflicting classifications of pathogenicity. Review status: criteria provided, conflicting classifications (1 of 4 stars). 4 submissions from 4 submitters: Uncertain significance (3); Benign (1). Last evaluated 2025-07-30.

Conditions:
Inborn genetic diseases. Identifiers: MedGen C0950123, MeSH D030342.
Ovarian cancer. Also called: OVARIAN CANCER, SOMATIC. Identifiers: Orphanet 213500, MedGen C1140680, MONDO:0008170, OMIM 167000.
Baller-Gerold syndrome (BGS). Also called: CRANIOSYNOSTOSIS WITH RADIAL DEFECTS. Identifiers: Orphanet 1225, MedGen C0265308, MONDO:0009039, OMIM 218600.
Rapadilino syndrome. Identifiers: Orphanet 3021, MedGen C1849453, MONDO:0009955, OMIM 266280.
Rothmund-Thomson syndrome type 2 (RTS2). Identifiers: Orphanet 221016, MedGen C5203410, MONDO:0016369, OMIM 268400.

Allele frequency attached by ClinVar (database versions not stated): gnomAD exomes below 0.00001 and 0.00001; ExAC 0.00002; gnomAD 0.00007 and 0.00009; TOPMed 0.00011; ESP Exome Variant Server 0.00033.
gnomAD v4.1: 15 of 1,608,436 alleles (0.00093%); highest among the groups gnomAD compares: African/African-American, 0.019%; no homozygotes.

Submissions (4):

Labcorp Genetics (formerly Invitae), Labcorp
Classification: Uncertain significance for Baller-Gerold syndrome. Last evaluated: 2025-07-30. Review status: criteria provided, single submitter. Criteria: Invitae Variant Classification Sherloc (09022015). Collection method: clinical testing. Allele origin: germline.
Comment: This sequence change replaces glutamic acid, which is acidic and polar, with lysine, which is basic and polar, at codon 216 of the RECQL4 protein (p.Glu216Lys). This variant is present in population databases (rs201301365, gnomAD 0.02%). This variant has not been reported in the literature in individuals affected with RECQL4-related conditions. ClinVar contains an entry for this variant (Variation ID: 656418). Invitae Evidence Modeling of protein sequence and biophysical properties (such as structural, functional, and spatial information, amino acid conservation, physicochemical variation, residue mobility, and thermodynamic stability) indicates that this missense variant is not expected to disrupt RECQL4 protein function with a negative predictive value of 80%. In summary, the available evidence is currently insufficient to determine the role of this variant in disease. Therefore, it has been classified as a Variant of Uncertain Significance.

Ambry Genetics
Classification: Uncertain significance for Inborn genetic diseases. Last evaluated: 2024-11-30. Review status: criteria provided, single submitter. Criteria: Ambry Variant Classification Scheme 2023. Collection method: clinical testing. Allele origin: germline.
Comment: The p.E216K variant (also known as c.646G>A), located in coding exon 5 of the RECQL4 gene, results from a G to A substitution at nucleotide position 646. The glutamic acid at codon 216 is replaced by lysine, an amino acid with similar properties. This amino acid position is conserved. In addition, this alteration is predicted to be tolerated by in silico analysis. Based on the available evidence, the clinical significance of this variant remains unclear.

Fulgent Genetics
Classification: Uncertain significance for Baller-Gerold syndrome; Rapadilino syndrome; Rothmund-Thomson syndrome type 2. Last evaluated: 2022-01-25. Review status: criteria provided, single submitter. Criteria: ACMG Guidelines, 2015. Collection method: clinical testing. Allele origin: unknown.

Laboratory of Molecular Epidemiology of Birth Defects, West China Second University Hospital, Sichuan University
Classification: Benign for Ovarian cancer. Last evaluated: 2022-01-01. Review status: criteria provided, single submitter. Criteria: ACMG Guidelines, 2015. Collection method: clinical testing. Allele origin: germline. Affected: yes.